The following is an entry in ClinVar:

ClinVar aggregate classification (germline): Uncertain significance. Review status: criteria provided, single submitter (1 of 4 stars). 2 submissions from 2 submitters: Uncertain significance (1). 1 of the submissions does not count toward it. Last evaluated 2023-10-03.

Conditions:
Mucopolysaccharidosis, MPS-III-C (MPS3C). Also called: MPS IIIC (Sanfilippo Syndrome Type C); MUCOPOLYSACCHARIDOSIS, TYPE IIIC; Mucopolysaccharidosis type IIIC (Sanfilippo C); mucopolysaccharidosis type 3C; SANFILIPPO SYNDROME C; MPS III C. Identifiers: Orphanet 581, Orphanet 79271, MedGen C0086649, MONDO:0009657, OMIM 252930.
Retinitis pigmentosa 73 (RP73). Identifiers: Orphanet 791, MedGen C4225287, MONDO:0014687, OMIM 616544.

Allele frequency attached by ClinVar (database versions not stated): gnomAD exomes 0.00001; TOPMed below 0.00001; gnomAD 0.00001.
gnomAD v4.1: 12 of 1,613,860 alleles (0.00074%); highest among the groups gnomAD compares: Non-Finnish European, 0.001%; no homozygotes.

Submissions (2):

Labcorp Genetics (formerly Invitae), Labcorp
Classification: Uncertain significance for Retinitis pigmentosa 73; Mucopolysaccharidosis, MPS-III-C. Last evaluated: 2023-10-03. Review status: criteria provided, single submitter. Criteria: Invitae Variant Classification Sherloc (09022015). Collection method: clinical testing. Allele origin: germline.
Comment: This sequence change replaces proline, which is neutral and non-polar, with threonine, which is neutral and polar, at codon 411 of the HGSNAT protein (p.Pro411Thr). This variant is not present in population databases (gnomAD no frequency). This variant has not been reported in the literature in individuals affected with HGSNAT-related conditions. ClinVar contains an entry for this variant (Variation ID: 1055603). Advanced modeling of protein sequence and biophysical properties (such as structural, functional, and spatial information, amino acid conservation, physicochemical variation, residue mobility, and thermodynamic stability) performed at Invitae indicates that this missense variant is not expected to disrupt HGSNAT protein function. In summary, the available evidence is currently insufficient to determine the role of this variant in disease. Therefore, it has been classified as a Variant of Uncertain Significance.

Natera, Inc.
Classification: Uncertain significance for Mucopolysaccharidosis type IIIC. Last evaluated: 2020-01-24. Review status: no assertion criteria provided. Collection method: clinical testing. Allele origin: germline. Not counted in ClinVar's aggregate classification.

NM_152419.3(HGSNAT):c.1231C>A (p.Pro411Thr)

Gene: HGSNAT (heparan-alpha-glucosaminide N-acetyltransferase; plus strand). Cytogenetic location: 8p11.21.
Variant type: single nucleotide variant.
Coding change: c.1231C>A on transcript NM_152419.3 (MANE Select); coding-DNA position 1231, C replaced by A.
Protein change: p.Pro411Thr; replaces proline 411 with threonine.
Molecular consequence: missense variant.
Genome position (GRCh38, 1-based): chr8:43,191,576, C>A. VCF-style: chr8-43191576-C-A. GRCh37 (hg19) VCF-style: chr8-43046719-C-A.
Other names: c.1231C>A, p.Pro411Thr (NM_001363227.2); c.1039C>A, p.Pro347Thr (NM_001363228.2); c.367C>A, p.Pro123Thr (NM_001363229.2); short protein forms P123T, P347T, P411T.
Identifiers: ClinVar variation 1055603 (VCV001055603.6), dbSNP rs1804531287, ClinGen allele CA371119327.